The following is an entry in ClinVar:

NM_006231.4(POLE):c.2411T>G (p.Leu804Arg)

Gene: POLE (DNA polymerase epsilon, catalytic subunit; minus strand). Cytogenetic location: 12q24.33.
Variant type: single nucleotide variant.
Coding change: c.2411T>G on transcript NM_006231.4 (MANE Select); coding-DNA position 2411, T replaced by G.
Protein change: p.Leu804Arg; replaces leucine 804 with arginine.
Molecular consequence: missense variant.
Genome position (GRCh38, 1-based): chr12:132,665,359, A>C on the plus strand (T>G on the coding strand, the complement: POLE is on the minus strand). VCF-style: chr12-132665359-A-C. GRCh37 (hg19) VCF-style: chr12-133241945-A-C.
Other names: c.2411T>G (NM_006231.2); short protein forms L804R.
Identifiers: ClinVar variation 640655 (VCV000640655.11), dbSNP rs201668507, ClinGen allele CA6893566.
Genomic context (GRCh38, chr12:132,665,359, plus strand): 5'-TACCCCTTGCGCATGACATAGCCATAGAAGGAGTTCAGGATGCACTTGTGGGCCAGCTGC[A>C]GCGAGTCATACAGCACCTCCATGTTCTTGCAGCGCTTCACCTCAGCCGCGTCGCCCACCT-3'
Protein context (NP_006222.2, residues 794-814): CKNMEVLYDS[Leu804Arg]QLAHKCILNS

ClinVar aggregate classification (germline): Uncertain significance. Review status: criteria provided, multiple submitters, no conflicts (2 of 4 stars). 2 submissions from 2 submitters: Uncertain significance (2). Last evaluated 2025-08-13.

Conditions:
Hereditary cancer-predisposing syndrome. Also called: Neoplastic Syndromes, Hereditary; Tumor predisposition; Hereditary Cancer Syndrome; Hereditary neoplastic syndrome. Identifiers: Orphanet 140162, MedGen C0027672, MeSH D009386, MONDO:0015356.

Allele frequency attached by ClinVar (database versions not stated): gnomAD exomes below 0.00001 and 0.00001; ExAC 0.00001.
gnomAD v4.1: 4 of 1,614,028 alleles (0.00025%); highest among the groups gnomAD compares: Non-Finnish European, 0.00034%; no homozygotes.

Submissions (2):

Labcorp Genetics (formerly Invitae), Labcorp
Classification: Uncertain significance. Last evaluated: 2025-08-13. Review status: criteria provided, single submitter. Criteria: Invitae Variant Classification Sherloc (09022015). Collection method: clinical testing. Allele origin: germline.
Comment: This sequence change replaces leucine, which is neutral and non-polar, with arginine, which is basic and polar, at codon 804 of the POLE protein (p.Leu804Arg). This variant is present in population databases (rs201668507, gnomAD 0.0009%). This variant has not been reported in the literature in individuals affected with POLE-related conditions. ClinVar contains an entry for this variant (Variation ID: 640655). Invitae Evidence Modeling of protein sequence and biophysical properties (such as structural, functional, and spatial information, amino acid conservation, physicochemical variation, residue mobility, and thermodynamic stability) indicates that this missense variant is expected to disrupt POLE protein function with a positive predictive value of 80%. In summary, the available evidence is currently insufficient to determine the role of this variant in disease. Therefore, it has been classified as a Variant of Uncertain Significance.

Ambry Genetics
Classification: Uncertain significance for Hereditary cancer-predisposing syndrome. Last evaluated: 2025-02-09. Review status: criteria provided, single submitter. Criteria: Ambry Variant Classification Scheme 2023. Collection method: clinical testing. Allele origin: germline.
Comment: The p.L804R variant (also known as c.2411T>G), located in coding exon 21 of the POLE gene, results from a T to G substitution at nucleotide position 2411. The leucine at codon 804 is replaced by arginine, an amino acid with dissimilar properties. This amino acid position is conserved. In addition, this alteration is predicted to be deleterious by in silico analysis. Based on the available evidence, the clinical significance of this variant remains unclear.